The following is an entry in ClinVar:

ClinVar aggregate classification (germline): Uncertain significance (1 of 4 stars; one submission).

Allele frequency attached by ClinVar (database versions not stated): gnomAD exomes below 0.00001; ExAC 0.00001.
gnomAD v4.1: 1 of 1,614,206 alleles (0.000062%); highest among the groups gnomAD compares: Non-Finnish European, 0.000085%; no homozygotes.

Submission:

Labcorp Genetics (formerly Invitae), Labcorp
Classification: Uncertain significance. Last evaluated: 2021-09-01. Review status: criteria provided, single submitter. Criteria: Invitae Variant Classification Sherloc (09022015). Collection method: clinical testing. Allele origin: germline.
Comment: This sequence change replaces isoleucine with valine at codon 338 of the HJV protein (p.Ile338Val). The isoleucine residue is highly conserved and there is a small physicochemical difference between isoleucine and valine. This variant is present in population databases (rs782682125, ExAC 0.01%). This variant has not been reported in the literature in individuals affected with HJV-related conditions. Algorithms developed to predict the effect of missense changes on protein structure and function output the following: SIFT: "Tolerated"; PolyPhen-2: "Benign"; Align-GVGD: "Class C0". The valine amino acid residue is found in multiple mammalian species, which suggests that this missense change does not adversely affect protein function. Algorithms developed to predict the effect of sequence changes on RNA splicing suggest that this variant may create or strengthen a splice site. In summary, the available evidence is currently insufficient to determine the role of this variant in disease. Therefore, it has been classified as a Variant of Uncertain Significance.

NM_213653.4(HJV):c.1012A>G (p.Ile338Val)

Gene: HJV (hemojuvelin BMP co-receptor; minus strand). Cytogenetic location: 1q21.1.
Variant type: single nucleotide variant.
Coding change: c.1012A>G on transcript NM_213653.4 (MANE Select); coding-DNA position 1012, A replaced by G.
Protein change: p.Ile338Val; replaces isoleucine 338 with valine.
Molecular consequence: missense variant.
Genome position (GRCh38, 1-based): chr1:146,018,346, T>C on the plus strand (A>G on the coding strand, the complement: HJV is on the minus strand). VCF-style: chr1-146018346-T-C. GRCh37 (hg19) VCF-style: chr1-145416667-A-G.
Other names: c.334A>G, p.Ile112Val (NM_001316767.2, NM_202004.4, NM_213652.4); c.1012A>G, p.Ile338Val (NM_001379352.1); c.673A>G, p.Ile225Val (NM_145277.5); short protein forms I112V, I225V, I338V.
Identifiers: ClinVar variation 1002377 (VCV001002377.6), dbSNP rs782682125, ClinGen allele CA1053946.